The following is an entry in ClinVar:

NM_000270.4(PNP):c.491A>G (p.Asp164Gly)

Gene: PNP (purine nucleoside phosphorylase; plus strand). Cytogenetic location: 14q11.2.
Variant type: single nucleotide variant.
Coding change: c.491A>G on transcript NM_000270.4 (MANE Select); coding-DNA position 491, A replaced by G.
Protein change: p.Asp164Gly; replaces aspartic acid 164 with glycine.
Molecular consequence: missense variant.
Genome position (GRCh38, 1-based): chr14:20,475,091, A>G. VCF-style: chr14-20475091-A-G. GRCh37 (hg19) VCF-style: chr14-20943250-A-G.
Other names: short protein forms D164G.
Identifiers: ClinVar variation 1434069 (VCV001434069.3), dbSNP rs774704206, ClinGen allele CA7082151.

ClinVar aggregate classification (germline): Uncertain significance (1 of 4 stars; one submission).

Conditions:
Purine-nucleoside phosphorylase deficiency. Also called: NUCLEOSIDE PHOSPHORYLASE DEFICIENCY; Immunodeficiency due to purine nucleoside phosphorylase deficiency. Identifiers: Orphanet 760, MedGen C0268125, MONDO:0013171, OMIM 613179.

Allele frequency attached by ClinVar (database versions not stated): gnomAD exomes below 0.00001; ExAC 0.00001; TOPMed 0.00001.
gnomAD v4.1: 6 of 1,614,112 alleles (0.00037%); highest among the groups gnomAD compares: Non-Finnish European, 0.00042%; no homozygotes.

Submission:

Labcorp Genetics (formerly Invitae), Labcorp
Classification: Uncertain significance for Purine-nucleoside phosphorylase deficiency. Last evaluated: 2022-06-27. Review status: criteria provided, single submitter. Criteria: Invitae Variant Classification Sherloc (09022015). Collection method: clinical testing. Allele origin: germline.
Comment: This sequence change replaces aspartic acid, which is acidic and polar, with glycine, which is neutral and non-polar, at codon 164 of the PNP protein (p.Asp164Gly). This variant is present in population databases (rs774704206, gnomAD 0.002%). This variant has not been reported in the literature in individuals affected with PNP-related conditions. Algorithms developed to predict the effect of missense changes on protein structure and function are either unavailable or do not agree on the potential impact of this missense change (SIFT: "Deleterious"; PolyPhen-2: "Benign"; Align-GVGD: "Class C0"). Algorithms developed to predict the effect of sequence changes on RNA splicing suggest that this variant may create or strengthen a splice site. In summary, the available evidence is currently insufficient to determine the role of this variant in disease. Therefore, it has been classified as a Variant of Uncertain Significance.